The following is an entry in ClinVar:

ClinVar aggregate classification (germline): Pathogenic (1 of 4 stars; one submission).

Conditions:
Hereditary cancer-predisposing syndrome. Also called: Neoplastic Syndromes, Hereditary; Tumor predisposition; Hereditary Cancer Syndrome; Hereditary neoplastic syndrome. Identifiers: Orphanet 140162, MedGen C0027672, MeSH D009386, MONDO:0015356.

Submission:

Ambry Genetics
Classification: Pathogenic for Hereditary cancer-predisposing syndrome. Last evaluated: 2020-12-28. Review status: criteria provided, single submitter. Criteria: Ambry Variant Classification Scheme 2023. Collection method: clinical testing. Allele origin: germline.
Comment: The c.1577_1578dupTG pathogenic mutation, located in coding exon 4 of the MSH6 gene, results from a duplication of TG at nucleotide position 1577, causing a translational frameshift with a predicted alternate stop codon (p.L527Cfs*45). This alteration is expected to result in loss of function by premature protein truncation or nonsense-mediated mRNA decay. As such, this alteration is interpreted as a disease-causing mutation.

NM_000179.3(MSH6):c.1577_1578dup (p.Leu527fs)

Gene: MSH6 (mutS homolog 6; plus strand). Cytogenetic location: 2p16.3.
Variant type: Microsatellite.
Coding change: c.1577_1578dup on transcript NM_000179.3 (MANE Select); coding-DNA positions 1577 to 1578, 2 bases duplicated (TG; older notation c.1577_1578dupTG).
Protein change: p.Leu527fs; shifts the reading frame from leucine 527.
Molecular consequence: frameshift variant.
Genome position (GRCh38, 1-based): chr2:47,799,560-47,799,561, TG duplicated; duplicating any 2 consecutive bases within chr2:47,799,557-47,799,561 gives the same sequence; the c. name uses the placement nearest the transcript's 3' end. VCF-style (leftmost placement, unchanged base first): chr2-47799556-A-AGT. GRCh37 (hg19) VCF-style: chr2-48026695-A-AGT.
Other names: c.1575_1576TG[3], p.Leu527Cysfs (NM_000179.2, NM_001406796.1, NM_001406798.1 and 5 more transcripts); c.1187_1188dup, p.Leu397fs (NM_001281492.2); c.671_672dup, p.Leu225fs (NM_001281493.2, NM_001281494.2); c.1671_1672TG[3], p.Leu559Cysfs (NM_001406795.1, NM_001406802.1); c.1278_1279TG[3], p.Leu428Cysfs (NM_001406797.1, NM_001406801.1, NM_001406805.1 and 10 more transcripts); c.1050_1051TG[3], p.Leu352Cysfs (NM_001406799.1, NM_001406806.1, NM_001406807.1); c.1497_1498TG[3], p.Leu501Cysfs (NM_001406804.1); c.669_670TG[3], p.Leu225Cysfs (NM_001406811.1, NM_001406812.1, NM_001406814.1 and 4 more transcripts); and 3 more; short protein forms L527fs, L397fs, L225fs.
Identifiers: ClinVar variation 1775607 (VCV001775607.2), dbSNP rs2530617268, ClinGen allele CA2580611333.